The following is an entry in ClinVar:

NM_000070.3(CAPN3):c.1289C>A (p.Thr430Lys)

Gene: CAPN3 (calpain 3; plus strand). Cytogenetic location: 15q15.1.
Variant type: single nucleotide variant.
Coding change: c.1289C>A on transcript NM_000070.3 (MANE Select); coding-DNA position 1289, C replaced by A.
Protein change: p.Thr430Lys; replaces threonine 430 with lysine.
Molecular consequence: missense variant.
Genome position (GRCh38, 1-based): chr15:42,399,587, C>A. VCF-style: chr15-42399587-C-A. GRCh37 (hg19) VCF-style: chr15-42691785-C-A.
Other names: c.1289C>A, p.Thr430Lys (NM_024344.2); c.1145C>A, p.Thr382Lys (NM_173087.2); short protein forms T382K, T430K.
Identifiers: ClinVar variation 1019869 (VCV001019869.7), dbSNP rs199725329, ClinGen allele CA269842892.

ClinVar aggregate classification (germline): Uncertain significance (1 of 4 stars; one submission).

Conditions:
Autosomal recessive limb-girdle muscular dystrophy type 2A (LGMDR1). Also called: Limb-girdle muscular dystrophy, type 2A; Calpainopathy; LEYDEN-MOEBIUS MUSCULAR DYSTROPHY; MUSCULAR DYSTROPHY, PELVOFEMORAL; Muscular dystrophy, limb-girdle, type 2A, Amish. Identifiers: Orphanet 267, MedGen C1869123, MONDO:0009675, OMIM 253600. Disease mechanism: loss of function.

Allele frequency attached by ClinVar (database versions not stated): TOPMed 0.00002.
gnomAD v4.1: 19 of 1,613,916 alleles (0.0012%); highest among the groups gnomAD compares: African/African-American, 0.0027%; no homozygotes.

Submission:

Labcorp Genetics (formerly Invitae), Labcorp
Classification: Uncertain significance for Autosomal recessive limb-girdle muscular dystrophy type 2A. Last evaluated: 2024-09-09. Review status: criteria provided, single submitter. Criteria: Invitae Variant Classification Sherloc (09022015). Collection method: clinical testing. Allele origin: germline.
Comment: This sequence change replaces threonine, which is neutral and polar, with lysine, which is basic and polar, at codon 430 of the CAPN3 protein (p.Thr430Lys). This variant is present in population databases (rs199725329, gnomAD 0.0009%). This variant has not been reported in the literature in individuals affected with CAPN3-related conditions. ClinVar contains an entry for this variant (Variation ID: 1019869). Invitae Evidence Modeling of protein sequence and biophysical properties (such as structural, functional, and spatial information, amino acid conservation, physicochemical variation, residue mobility, and thermodynamic stability) indicates that this missense variant is not expected to disrupt CAPN3 protein function with a negative predictive value of 80%. In summary, the available evidence is currently insufficient to determine the role of this variant in disease. Therefore, it has been classified as a Variant of Uncertain Significance.